The following is an entry in ClinVar:

NM_001353803.2(ZNF875):c.257-2472T>G

Gene: ZNF875 (zinc finger protein 875; plus strand). Cytogenetic location: 19q13.12.
Variant type: single nucleotide variant.
Coding change: c.257-2472T>G on transcript NM_001353803.2 (MANE Select); 2472 bases into the intron before coding-DNA position 257, T replaced by G.
Molecular consequence: intron variant. On other transcripts: synonymous variant (1).
Genome position (GRCh38, 1-based): chr19:37,359,637, T>G. VCF-style: chr19-37359637-T-G. GRCh37 (hg19) VCF-style: chr19-37850539-T-G.
Other names: c.468T>G, p.Leu156= (NM_001353804.2); c.239-2469T>G (NM_001329765.2, NM_001329766.2); c.239-2472T>G (NM_001329767.2); c.197-2469T>G (NM_001329770.2); c.257-2472T>G (NM_001329763.2, NM_001329764.2); c.131-2469T>G (NM_001329771.2, NM_001329772.2, NM_001329773.2); c.131-2472T>G (NM_001329774.2, NM_001329775.2, NM_001329777.2 and 2 more transcripts); c.314-2472T>G (NM_181786.4); and 4 more.
Identifiers: ClinVar variation 2672758 (VCV002672758.23), dbSNP rs748214782, ClinGen allele CA307958537.

ClinVar aggregate classification (germline): Likely benign (1 of 4 stars; one submission).

Submission:

CeGaT Center for Human Genetics Tuebingen
Classification: Likely benign. Last evaluated: 2023-11-01. Review status: criteria provided, single submitter. Criteria: CeGaT Center For Human Genetics Tuebingen Variant Classification Criteria Version 2. Collection method: clinical testing. Allele origin: germline. Affected: yes. Observed: 1 variant allele.
Comment: ZNF875: BP4, BP7